The following is an entry in ClinVar:

NM_001365999.1(SZT2):c.9563+4A>G

Genes: SZT2 (SZT2 subunit of KICSTOR complex; plus strand), SZT2-AS1 (SZT2 antisense RNA 1; minus strand). Cytogenetic location: 1p34.2.
Variant type: single nucleotide variant.
Coding change: c.9563+4A>G on transcript NM_001365999.1 (MANE Select); 4 bases into the intron after coding-DNA position 9563, A replaced by G.
Molecular consequence: intron variant.
Genome position (GRCh38, 1-based): chr1:43,447,975, A>G. VCF-style: chr1-43447975-A-G. GRCh37 (hg19) VCF-style: chr1-43913646-A-G.
Other names: c.9392+4A>G (NM_015284.4).
Identifiers: ClinVar variation 2105388 (VCV002105388.2), dbSNP rs1655886962, ClinGen allele CA1001105220.
Genomic context (GRCh38, chr1:43,447,975, plus strand): 5'-CTGTCACTGTGCTGCACCCTTTGAGGAGCAAGGAGAGGCTGAGCGGCACGTTCTGCGGTC[A>G]GCAGATCCCCTACCTTGAACATGCCCATTTCCCAGCCTGCCCCACCCTGCCCTGTGTGTC-3'

ClinVar aggregate classification (germline): Uncertain significance. Review status: criteria provided, multiple submitters, no conflicts (2 of 4 stars). 2 submissions from 2 submitters: Uncertain significance (2). Last evaluated 2025-07-22.

Allele frequency attached by ClinVar (database versions not stated): gnomAD exomes below 0.00001; gnomAD 0.00001.
gnomAD v4.1: 2 of 1,613,796 alleles (0.00012%); highest among the groups gnomAD compares: African/African-American, 0.0013%; no homozygotes.

Submissions (2):

Women's Health and Genetics/Laboratory Corporation of America, LabCorp
Classification: Uncertain significance. Last evaluated: 2025-07-22. Review status: criteria provided, single submitter. Criteria: LabCorp Variant Classification Summary - May 2015. Collection method: clinical testing. Allele origin: germline.
Comment: Variant summary: SZT2 c.9392+4A>G alters a conserved nucleotide located close to a canonical splice site and therefore could affect mRNA splicing, leading to a significantly altered protein sequence. Several computational tools predict a significant impact on normal splicing: Two predict the variant abolishes a 5' splicing donor site. One predict the variant weakens a 5' donor site. However, these predictions have yet to be confirmed by functional studies. The variant allele was found at a frequency of 1.2e-06 in 1606800 control chromosomes. The available data on variant occurrences in the general population are insufficient to allow any conclusion about variant significance. To our knowledge, no occurrence of c.9392+4A>G in individuals affected with Early Infantile Epileptic Encephalopathy 18 and no experimental evidence demonstrating its impact on protein function have been reported. ClinVar contains an entry for this variant (Variation ID: 2105388). Based on the evidence outlined above, the variant was classified as uncertain significance.

Labcorp Genetics (formerly Invitae), Labcorp
Classification: Uncertain significance. Last evaluated: 2022-03-01. Review status: criteria provided, single submitter. Criteria: Invitae Variant Classification Sherloc (09022015). Collection method: clinical testing. Allele origin: germline.
Comment: This sequence change falls in intron 67 of the SZT2 gene. It does not directly change the encoded amino acid sequence of the SZT2 protein. It affects a nucleotide within the consensus splice site. This variant is not present in population databases (gnomAD no frequency). This variant has not been reported in the literature in individuals affected with SZT2-related conditions. Variants that disrupt the consensus splice site are a relatively common cause of aberrant splicing (PMID: 17576681, 9536098). Algorithms developed to predict the effect of sequence changes on RNA splicing suggest that this variant may disrupt the consensus splice site. In summary, the available evidence is currently insufficient to determine the role of this variant in disease. Therefore, it has been classified as a Variant of Uncertain Significance.

Literature cited by the submitters: PubMed 17576681 (cited by Labcorp Genetics (formerly Invitae), Labcorp); PubMed 9536098 (cited by Labcorp Genetics (formerly Invitae), Labcorp).